The following is an entry in ClinVar:

ClinVar aggregate classification (germline): Uncertain significance. Review status: criteria provided, multiple submitters, no conflicts (2 of 4 stars). 6 submissions from 6 submitters: Uncertain significance (6). Last evaluated 2025-10-07.

Conditions:
Familial thoracic aortic aneurysm and aortic dissection (TAAD). Also called: Thoracic aortic aneurysms and dissections. Identifiers: Orphanet 91387, MedGen C4707243, MONDO:0019625.
Marfan syndrome (MFS). Also called: FBN1-Related Marfan Syndrome; Marfan's syndrome; MARFAN SYNDROME, TYPE I; Marfan syndrome type 1; Marfan syndrome, classic. Identifiers: Orphanet 284963, Orphanet 558, MedGen C0024796, MONDO:0007947, OMIM 154700.

Allele frequency attached by ClinVar (database versions not stated): gnomAD 0.00001; ExAC 0.00002; TOPMed 0.00001; gnomAD exomes 0.00002.
gnomAD v4.1: 15 of 1,612,908 alleles (0.00093%); highest among the groups gnomAD compares: South Asian, 0.0099%; no homozygotes.

Submissions (6):

Ambry Genetics
Classification: Uncertain significance for Familial thoracic aortic aneurysm and aortic dissection. Last evaluated: 2025-10-07. Review status: criteria provided, single submitter. Criteria: Ambry Variant Classification Scheme 2023. Collection method: clinical testing. Allele origin: germline.
Comment: The p.G255R variant (also known as c.763G>A), located in coding exon 7 of the FBN1 gene, results from a G to A substitution at nucleotide position 763. The glycine at codon 255 is replaced by arginine, an amino acid with dissimilar properties. This variant was reported in individual(s) with features consistent with stroke (Chang LH et al. Cell Mol Neurobiol, 2023 Aug;43:2769-2783). This amino acid position is highly conserved in available vertebrate species. In addition, this alteration is predicted to be deleterious by in silico analysis. Based on the available evidence, the clinical significance of this variant remains unclear.

Color Diagnostics, LLC DBA Color Health
Classification: Uncertain significance for Familial thoracic aortic aneurysm and aortic dissection. Last evaluated: 2025-06-25. Review status: criteria provided, single submitter. Criteria: ACMG Guidelines, 2015. Collection method: clinical testing. Allele origin: germline.
Comment: This missense variant replaces glycine with arginine at codon 255 of the FBN1 protein. Computational prediction suggests that this variant may have deleterious impact on protein structure and function. To our knowledge, functional studies have not been reported for this variant. This variant has not been reported in individuals affected with FBN1-related disorders in the literature. This variant has been identified in 5/282566 chromosomes in the general population by the Genome Aggregation Database (gnomAD). The available evidence is insufficient to determine the role of this variant in disease conclusively. Therefore, this variant is classified as a Variant of Uncertain Significance.

GeneDx
Classification: Uncertain significance. Last evaluated: 2025-03-07. Review status: criteria provided, single submitter. Criteria: GeneDx Variant Classification Process June 2021. Collection method: clinical testing. Allele origin: germline. Affected: yes.
Comment: In silico analysis supports that this missense variant has a deleterious effect on protein structure/function; Not observed at significant frequency in large population cohorts (gnomAD); Does not affect a cysteine or calcium-binding residue within an EGF-like domain or a TGF-binding protein domain of the FBN1 gene; cysteine substitutions in the EGF-like domains represent the majority of pathogenic missense changes associated with FBN1-related disorders (PMID: 12938084); Identified in association with familial stroke in published literature (PMID: 36580209); This variant is associated with the following publications: (PMID: 12938084, 36580209, 36675693)

All of Us Research Program, National Institutes of Health
Classification: Uncertain significance for Marfan syndrome. Last evaluated: 2024-01-11. Review status: criteria provided, single submitter. Criteria: ACMG Guidelines, 2015. Collection method: clinical testing. Allele origin: germline. Inheritance: Autosomal dominant inheritance. Observed: 1 variant allele, 1 heterozygote.
Comment: This missense variant replaces glycine with arginine at codon 255 of the FBN1 protein. Computational prediction suggests that this variant may have deleterious impact on protein structure and function (internally defined REVEL score threshold >= 0.7, PMID: 27666373). To our knowledge, functional studies have not been reported for this variant. This variant has not been reported in individuals affected with cardiovascular disorders in the literature. This variant has been identified in 5/282566 chromosomes in the general population by the Genome Aggregation Database (gnomAD). The available evidence is insufficient to determine the role of this variant in disease conclusively. Therefore, this variant is classified as a Variant of Uncertain Significance.

This study involves interpretation of variants in research participants for the purpose of population health screening. Participant phenotype was not available at the time of variant classification. Additional details can be found in publication PMID: 35346344, PMCID: PMC8962531

Labcorp Genetics (formerly Invitae), Labcorp
Classification: Uncertain significance for Marfan syndrome; Familial thoracic aortic aneurysm and aortic dissection. Last evaluated: 2022-09-18. Review status: criteria provided, single submitter. Criteria: Invitae Variant Classification Sherloc (09022015). Collection method: clinical testing. Allele origin: germline.
Comment: This sequence change replaces glycine, which is neutral and non-polar, with arginine, which is basic and polar, at codon 255 of the FBN1 protein (p.Gly255Arg). This variant is present in population databases (rs781113082, gnomAD 0.01%). This variant has not been reported in the literature in individuals affected with FBN1-related conditions. ClinVar contains an entry for this variant (Variation ID: 859337). Advanced modeling of protein sequence and biophysical properties (such as structural, functional, and spatial information, amino acid conservation, physicochemical variation, residue mobility, and thermodynamic stability) performed at Invitae indicates that this missense variant is expected to disrupt FBN1 protein function. In summary, the available evidence is currently insufficient to determine the role of this variant in disease. Therefore, it has been classified as a Variant of Uncertain Significance.

Neuberg Centre For Genomic Medicine, NCGM
Classification: Uncertain significance for Marfan syndrome. Review status: criteria provided, single submitter. Criteria: ACMG Guidelines, 2015. Collection method: clinical testing. Allele origin: germline. Inheritance: Autosomal dominant inheritance. Affected: yes.
Comment: The missense variant p.G255R in FBN1 (NM_000138.5) has not been reported previously as a pathogenic variant nor as a benign variant, to our knowledge. It has been submitted to ClinVar as Uncertain Significance. The missense variant c.763G>A (p.G255R) in FBN1 (NM_000138.5) is observed in 3/30616 (0.0098%) alleles from individuals of South Asian background in the gnomAD dataset (Exome Aggregation Consortium et al., 2016), but was not seen in the homozygous state. The p.G255R missense variant is predicted to be damaging by both SIFT and PolyPhen2. The glycine residue at codon 255 of FBN1 is conserved in all mammalian species. The nucleotide c.763 in FBN1 is predicted conserved by GERP++ and PhyloP across 100 vertebrates. For these reasons, this variant has been classified as Uncertain Significance.

Literature cited by the submitters: PubMed 36580209 (cited by Ambry Genetics).

NM_000138.5(FBN1):c.763G>A (p.Gly255Arg)

Gene: FBN1 (fibrillin 1; minus strand). Cytogenetic location: 15q21.1.
Variant type: single nucleotide variant.
Coding change: c.763G>A on transcript NM_000138.5 (MANE Select); coding-DNA position 763, G replaced by A.
Protein change: p.Gly255Arg; replaces glycine 255 with arginine.
Molecular consequence: missense variant.
Genome position (GRCh38, 1-based): chr15:48,534,179, C>T on the plus strand (G>A on the coding strand, the complement: FBN1 is on the minus strand). VCF-style: chr15-48534179-C-T. GRCh37 (hg19) VCF-style: chr15-48826376-C-T.
Other names: short protein forms G255R.
Identifiers: ClinVar variation 859337 (VCV000859337.16), dbSNP rs781113082, ClinGen allele CA058972.